The following is an entry in ClinVar:

ClinVar aggregate classification (germline): Benign/Likely benign. Review status: criteria provided, multiple submitters, no conflicts (2 of 4 stars). 15 submissions from 15 submitters: Benign (6); Likely benign (6). 3 of the submissions do not count toward it. Last evaluated 2026-02-01.

Conditions:
Cardiovascular phenotype. Identifiers: MedGen CN230736.
Cardiomyopathy (CMYO). Also called: Cardiomyopathies. Identifiers: Orphanet 167848, MedGen C0878544, MONDO:0004994, HP:0001638. Inheritance: Various modes of inheritance.
Becker muscular dystrophy (BMD). Also called: MUSCULAR DYSTROPHY, PSEUDOHYPERTROPHIC PROGRESSIVE, BECKER TYPE; Becker Muscular Dystrophy (BMD). Identifiers: Orphanet 98895, MedGen C0917713, MONDO:0010311, OMIM 300376.
Duchenne muscular dystrophy (DMD). Also called: Duchenne Muscular Dystrophy (DMD); MUSCULAR DYSTROPHY, PSEUDOHYPERTROPHIC PROGRESSIVE, DUCHENNE TYPE. Identifiers: Orphanet 98896, MedGen C0013264, MONDO:0010679, OMIM 310200.
Dystrophin deficiency.
DMD-related disorder. Also called: DMD-related condition.
Dilated cardiomyopathy 3B (CMD3B). Also called: CMD3B: DMD-Related Dilated Cardiomyopathy; CARDIOMYOPATHY, DILATED, X-LINKED; DMD-Associated Dilated Cardiomyopathy. Identifiers: Orphanet 154, MedGen C3668940, MONDO:0010542, OMIM 302045.
Primary dilated cardiomyopathy (DCM). Also called: Dilated Cardiomyopathy. Identifiers: Orphanet 217604, MedGen C0007193, MeSH D002311, MONDO:0005021, HP:0001644. Inheritance: Various modes of inheritance.

Allele frequency attached by ClinVar (database versions not stated): gnomAD exomes 0.00015 and 0.00056; ExAC 0.00071; gnomAD 0.00171 and 0.00180; ESP Exome Variant Server 0.00180; TOPMed 0.00212; 1000 Genomes Project 30x 0.00250; 1000 Genomes Project 0.00265.
gnomAD v4.1: 374 of 1,209,954 alleles (0.031%); highest among the groups gnomAD compares: African/African-American, 0.54%; 1 homozygote.

Submissions (15):

Labcorp Genetics (formerly Invitae), Labcorp
Classification: Benign for Duchenne muscular dystrophy. Last evaluated: 2026-02-01. Review status: criteria provided, single submitter. Criteria: Invitae Variant Classification Sherloc (09022015). Collection method: clinical testing. Allele origin: germline.

Mayo Clinic Laboratories, Mayo Clinic
Classification: Benign. Last evaluated: 2025-08-18. Review status: criteria provided, single submitter. Criteria: ACMG Guidelines, 2015. Collection method: clinical testing. Allele origin: germline. Observed: 5 variant alleles.
Comment: BS1, BS2, BP4

Molecular Diagnostic Laboratory for Inherited Cardiovascular Disease, Montreal Heart Institute
Classification: Likely benign. Last evaluated: 2025-04-09. Review status: criteria provided, single submitter. Criteria: ACMG Guidelines, 2015. Collection method: clinical testing. Allele origin: germline. Affected: no.
Comment: BS1;BP1;BP4;BP6

Women's Health and Genetics/Laboratory Corporation of America, LabCorp
Classification: Likely benign. Last evaluated: 2024-12-23. Review status: criteria provided, single submitter. Criteria: LabCorp Variant Classification Summary - May 2015. Collection method: clinical testing. Allele origin: germline.

Blueprint Genetics
Classification: Likely benign. Last evaluated: 2024-07-04. Review status: criteria provided, single submitter. Criteria: ACMG Guidelines, 2015. Collection method: clinical testing. Allele origin: germline.

Fulgent Genetics
Classification: Likely benign for Becker muscular dystrophy; Dilated cardiomyopathy 3B; Duchenne muscular dystrophy. Last evaluated: 2021-12-02. Review status: criteria provided, single submitter. Criteria: ACMG Guidelines, 2015. Collection method: clinical testing. Allele origin: unknown.

Mendelics
Classification: Benign for Duchenne muscular dystrophy. Last evaluated: 2019-05-28. Review status: criteria provided, single submitter. Criteria: Mendelics Assertion Criteria 2017. Collection method: clinical testing. Allele origin: unknown.

Center for Advanced Laboratory Medicine, UC San Diego Health, University of California San Diego
Classification: Benign for Cardiomyopathy. Last evaluated: 2019-04-17. Review status: criteria provided, single submitter. Criteria: ACMG Guidelines, 2015. Collection method: clinical testing. Allele origin: germline. Affected: yes. Observed: 1 variant allele.

Ambry Genetics
Classification: Benign for Cardiovascular phenotype. Last evaluated: 2017-09-15. Review status: criteria provided, single submitter. Criteria: Ambry Variant Classification Scheme 2023. Collection method: clinical testing. Allele origin: germline.

GeneDx
Classification: Benign. Last evaluated: 2017-07-21. Review status: criteria provided, single submitter. Criteria: GeneDx Variant Classification (06012015). Collection method: clinical testing. Allele origin: germline. Affected: yes.
Comment: This variant is considered likely benign or benign based on one or more of the following criteria: it is a conservative change, it occurs at a poorly conserved position in the protein, it is predicted to be benign by multiple in silico algorithms, and/or has population frequency not consistent with disease.

Laboratory for Molecular Medicine, Mass General Brigham Personalized Medicine
Classification: Likely benign. Last evaluated: 2015-03-21. Review status: criteria provided, single submitter. Criteria: LMM Criteria. Collection method: clinical testing. Allele origin: germline. Observed: 4 variant alleles.
Comment: p.Phe3228Leu in exon 67 of DMD: This variant is not expected to have clinical si gnificance because it has been identified in 0.6% (49/8265) of African chromosom es by the Exome Aggregation Consortium (ExAC; db SNP rs141392048).

Eurofins Ntd Llc (ga)
Classification: Likely benign. Last evaluated: 2014-10-02. Review status: criteria provided, single submitter. Criteria: EGL Classification Definitions 2015. Collection method: clinical testing. Allele origin: germline. Observed: 2 variant alleles, 1 heterozygote, 1 hemizygote.

PreventionGenetics, part of Exact Sciences
Classification: Benign for DMD-related condition. Last evaluated: 2024-01-04. Review status: no assertion criteria provided. Collection method: clinical testing. Allele origin: germline. Not counted in ClinVar's aggregate classification.
Comment: This variant is classified as benign based on ACMG/AMP sequence variant interpretation guidelines (Richards et al. 2015 PMID: 25741868, with internal and published modifications).

Natera, Inc.
Classification: Likely benign for Becker muscular dystrophy; Cardiomyopathy; Duchenne muscular dystrophy; Dystrophin deficiency. Last evaluated: 2018-03-27. Review status: no assertion criteria provided. Collection method: clinical testing. Allele origin: germline. Not counted in ClinVar's aggregate classification.

CSER _CC_NCGL, University of Washington
Classification: Likely benign for Cardiomyopathy, dilated. Last evaluated: 2014-06-01. Review status: no assertion criteria provided. Collection method: research. Allele origin: germline. Inheritance: Autosomal dominant inheritance. Study: ESP 6500 variant annotation. Not counted in ClinVar's aggregate classification.
Comment: Variants classified for the Actionable exomic incidental findings in 6503 participants: challenges of variant classification manuscript

Literature cited by the submitters: PubMed 12359139 (cited by Mayo Clinic Laboratories, Mayo Clinic and Ambry Genetics); PubMed 23299917 (cited by Mayo Clinic Laboratories, Mayo Clinic and Ambry Genetics); PubMed 25637381 (cited by Mayo Clinic Laboratories, Mayo Clinic and Ambry Genetics); PubMed 26066469 (cited by Mayo Clinic Laboratories, Mayo Clinic); PubMed 27896284 (cited by Mayo Clinic Laboratories, Mayo Clinic); PubMed 24055113 (cited by Ambry Genetics).

NM_004006.3(DMD):c.9682T>C (p.Phe3228Leu)

Gene: DMD (dystrophin; minus strand). Cytogenetic location: Xp21.2.
Variant type: single nucleotide variant.
Coding change: c.9682T>C on transcript NM_004006.3 (MANE Select); coding-DNA position 9682, T replaced by C.
Protein change: p.Phe3228Leu; replaces phenylalanine 3228 with leucine.
Molecular consequence: missense variant.
Genome position (GRCh38, 1-based): chrX:31,204,086, A>G on the plus strand (T>C on the coding strand, the complement: DMD is on the minus strand). VCF-style: chrX-31204086-A-G. GRCh37 (hg19) VCF-style: chrX-31222203-A-G.
Other names: c.9658T>C, p.Phe3220Leu (NM_000109.4); c.9670T>C, p.Phe3224Leu (NM_004009.3); c.9313T>C, p.Phe3105Leu (NM_004010.3); c.5659T>C, p.Phe1887Leu (NM_004011.4); c.5650T>C, p.Phe1884Leu (NM_004012.4); c.2302T>C, p.Phe768Leu (NM_004013.3, NM_004020.4, NM_004021.3 and 2 more transcripts); c.1495T>C, p.Phe499Leu (NM_004014.3); c.478T>C, p.Phe160Leu (NM_004015.3, NM_004016.3, NM_004017.3 and 2 more transcripts); short protein forms F3228L, F3220L, F160L, F499L, F1887L, F3105L, F3224L, F1884L.
Identifiers: ClinVar variation 94856 (VCV000094856.34), dbSNP rs141392048, ClinGen allele CA267193.
Genomic context (GRCh38, chrX:31,204,086, plus strand): 5'-ACTGTCTTGGAATTTGGATAGAATCATGCAGAAGGAGGCCCAGCCTGCGCTGGTCACAAA[A>G]TCCTGTTGAACTTGCCACTTGCTTGAAAAGGTCTACAAAGGAAGAAGAAAATTGCAACAG-3'
Protein context (NP_003997.2, residues 3218-3238): LFKQVASSTG[Phe3228Leu]CDQRRLGLLL